The following is an entry in ClinVar:

ClinVar aggregate classification (germline): Uncertain significance. Review status: criteria provided, single submitter (1 of 4 stars). 2 submissions from 2 submitters: Uncertain significance (1). 1 of the submissions does not count toward it. Last evaluated 2025-08-21.

Conditions:
POMC-related disorder. Also called: POMC-related disorders; POMC-related condition.
Inborn genetic diseases. Identifiers: MedGen C0950123, MeSH D030342.

Submissions (2):

Ambry Genetics
Classification: Uncertain significance for Inborn genetic diseases. Last evaluated: 2025-08-21. Review status: criteria provided, single submitter. Criteria: Ambry Variant Classification Scheme 2023. Collection method: clinical testing. Allele origin: germline.

PreventionGenetics, part of Exact Sciences
Classification: Uncertain significance for POMC-related condition. Last evaluated: 2024-04-30. Review status: no assertion criteria provided. Collection method: clinical testing. Allele origin: germline. Not counted in ClinVar's aggregate classification.
Comment: The POMC c.104A>G variant is predicted to result in the amino acid substitution p.Gln35Arg. This variant was observed in a cohort of individuals with obesity, and in vitro functional studies showed this variant did not reduce protein function and could cause increased function (Supplemental Data Set 3, Shah et al. 2023. PubMed ID: 36864747). This variant is reported in 0.0065% of alleles in individuals of European (Non-Finnish) descent in gnomAD. At this time, the clinical significance of this variant is uncertain due to the absence of conclusive functional and genetic evidence.

NM_000939.4(POMC):c.104A>G (p.Gln35Arg)

Gene: POMC (proopiomelanocortin; minus strand). Cytogenetic location: 2p23.3.
Variant type: single nucleotide variant.
Coding change: c.104A>G on transcript NM_000939.4 (MANE Select); coding-DNA position 104, A replaced by G.
Protein change: p.Gln35Arg; replaces glutamine 35 with arginine.
Molecular consequence: missense variant.
Genome position (GRCh38, 1-based): chr2:25,164,669, T>C on the plus strand (A>G on the coding strand, the complement: POMC is on the minus strand). VCF-style: chr2-25164669-T-C. GRCh37 (hg19) VCF-style: chr2-25387538-T-C.
Other names: c.104A>G, p.Gln35Arg (NM_001035256.3, NM_001319204.2, NM_001319205.2); c.104A>G (NM_001035256.1); short protein forms Q35R.
Identifiers: ClinVar variation 3352165 (VCV003352165.2).